The following is an entry in ClinVar:

NM_153717.3(EVC):c.187C>G (p.Gln63Glu)

Gene: EVC (EvC ciliary complex subunit 1; plus strand). Cytogenetic location: 4p16.2.
Variant type: single nucleotide variant.
Coding change: c.187C>G on transcript NM_153717.3 (MANE Select); coding-DNA position 187, C replaced by G.
Protein change: p.Gln63Glu; replaces glutamine 63 with glutamic acid.
Molecular consequence: missense variant.
Genome position (GRCh38, 1-based): chr4:5,719,260, C>G. VCF-style: chr4-5719260-C-G. GRCh37 (hg19) VCF-style: chr4-5720987-C-G.
Other names: c.187C>G, p.Gln63Glu (NM_001306090.2, NM_001306092.2); short protein forms Q63E.
Identifiers: ClinVar variation 1490339 (VCV001490339.6), dbSNP rs371329240, ClinGen allele CA2835592.

ClinVar aggregate classification (germline): Uncertain significance (1 of 4 stars; one submission).

Conditions:
Ellis-van Creveld syndrome (EVC). Also called: EVC-Related Ellis-van Creveld Syndrome; EVC2-Related Ellis-van Creveld Syndrome; MESOECTODERMAL DYSPLASIA; Chondroectodermal dysplasia. Identifiers: Orphanet 289, MedGen C0013903, MONDO:0009162, OMIM 225500.
Curry-Hall syndrome (WAD). Also called: WEYERS ACRODENTAL DYSOSTOSIS. Identifiers: Orphanet 952, MedGen C0457013, MONDO:0008673, OMIM 193530.

Allele frequency attached by ClinVar (database versions not stated): gnomAD exomes below 0.00001 and 0.00001; ExAC 0.00002; gnomAD 0.00002; TOPMed 0.00002; ESP Exome Variant Server 0.00008.
gnomAD v4.1: 5 of 1,614,028 alleles (0.00031%); highest among the groups gnomAD compares: African/African-American, 0.004%; no homozygotes.

Submission:

Labcorp Genetics (formerly Invitae), Labcorp
Classification: Uncertain significance for Curry-Hall syndrome; Ellis-van Creveld syndrome. Last evaluated: 2021-09-24. Review status: criteria provided, single submitter. Criteria: Invitae Variant Classification Sherloc (09022015). Collection method: clinical testing. Allele origin: germline.
Comment: This sequence change replaces glutamine with glutamic acid at codon 63 of the EVC protein (p.Gln63Glu). The glutamine residue is weakly conserved and there is a small physicochemical difference between glutamine and glutamic acid. This variant is present in population databases (rs371329240, ExAC 0.01%). This variant has not been reported in the literature in individuals with EVC-related conditions. Algorithms developed to predict the effect of missense changes on protein structure and function are either unavailable or do not agree on the potential impact of this missense change (SIFT: "Tolerated"; PolyPhen-2: "Possibly Damaging"; Align-GVGD: "Class C0"). In summary, the available evidence is currently insufficient to determine the role of this variant in disease. Therefore, it has been classified as a Variant of Uncertain Significance.